The following is an entry in ClinVar:

NM_172362.3(KCNH1):c.116A>C (p.Asp39Ala)

Gene: KCNH1 (potassium voltage-gated channel subfamily H member 1; minus strand). Cytogenetic location: 1q32.2.
Variant type: single nucleotide variant.
Coding change: c.116A>C on transcript NM_172362.3 (MANE Select); coding-DNA position 116, A replaced by C.
Protein change: p.Asp39Ala; replaces aspartic acid 39 with alanine.
Molecular consequence: missense variant.
Genome position (GRCh38, 1-based): chr1:211,107,341, T>G on the plus strand (A>C on the coding strand, the complement: KCNH1 is on the minus strand). VCF-style: chr1-211107341-T-G. GRCh37 (hg19) VCF-style: chr1-211280683-T-G.
Other names: c.116A>C, p.Asp39Ala (NM_002238.4); short protein forms D39A.
Identifiers: ClinVar variation 3633745 (VCV003633745.2).

ClinVar aggregate classification (germline): Uncertain significance (1 of 4 stars; one submission).

Submission:

Labcorp Genetics (formerly Invitae), Labcorp
Classification: Uncertain significance. Last evaluated: 2025-01-17. Review status: criteria provided, single submitter. Criteria: Invitae Variant Classification Sherloc (09022015). Collection method: clinical testing. Allele origin: germline.
Comment: This sequence change replaces aspartic acid, which is acidic and polar, with alanine, which is neutral and non-polar, at codon 39 of the KCNH1 protein (p.Asp39Ala). This variant is not present in population databases (gnomAD no frequency). This variant has not been reported in the literature in individuals affected with KCNH1-related conditions. Invitae Evidence Modeling of protein sequence and biophysical properties (such as structural, functional, and spatial information, amino acid conservation, physicochemical variation, residue mobility, and thermodynamic stability) has been performed for this missense variant. However, the output from this modeling did not meet the statistical confidence thresholds required to predict the impact of this variant on KCNH1 protein function. In summary, the available evidence is currently insufficient to determine the role of this variant in disease. Therefore, it has been classified as a Variant of Uncertain Significance.